The following is an entry in ClinVar:

NM_001110556.2(FLNA):c.1885G>A (p.Gly629Ser)

Gene: FLNA (filamin A; minus strand). Cytogenetic location: Xq28.
Variant type: single nucleotide variant.
Coding change: c.1885G>A on transcript NM_001110556.2 (MANE Select); coding-DNA position 1885, G replaced by A.
Protein change: p.Gly629Ser; replaces glycine 629 with serine.
Molecular consequence: missense variant.
Genome position (GRCh38, 1-based): chrX:154,364,663, C>T on the plus strand (G>A on the coding strand, the complement: FLNA is on the minus strand). VCF-style: chrX-154364663-C-T. GRCh37 (hg19) VCF-style: chrX-153593031-C-T.
Other names: c.1885G>A, p.Gly629Ser (NM_001456.4); short protein forms G629S.
Identifiers: ClinVar variation 1303006 (VCV001303006.6), dbSNP rs1431672096, ClinGen allele CA415241830.

ClinVar aggregate classification (germline): Conflicting classifications of pathogenicity. Review status: criteria provided, conflicting classifications (1 of 4 stars). 3 submissions from 3 submitters: Uncertain significance (2); Likely benign (1). Last evaluated 2025-11-09.

Conditions:
Melnick-Needles syndrome (MNS). Also called: MELNICK-NEEDLES OSTEODYSPLASTY; OSTEODYSPLASTY OF MELNICK AND NEEDLES; Melnick-Needles Syndrome (FLNA-MNS). Identifiers: Orphanet 2484, MedGen C0025237, MONDO:0010650, OMIM 309350.
Frontometaphyseal dysplasia (FMD1). Identifiers: MONDO:0015942, Orphanet 1826, MedGen C0265293.
Oto-palato-digital syndrome, type II (OPD2). Also called: Otopalatodigital Syndrome, Type II; FACIOPALATOOSSEOUS SYNDROME; OPD II SYNDROME; Otopalatodigital Syndrome Type 2 (FLNA-OPD2). Identifiers: Orphanet 669, Orphanet 90652, MedGen C1844696, MONDO:0010571, OMIM 304120.
Heterotopia, periventricular, X-linked dominant (PVNH1). Also called: X-linked periventricular heterotopia; PERIVENTRICULAR NODULAR HETEROTOPIA 4; HETEROTOPIA, PERIVENTRICULAR, 1; PERIVENTRICULAR NODULAR HETEROTOPIA 1. Identifiers: Orphanet 2149, Orphanet 82004, MedGen C1848213, MONDO:0010233, OMIM 300049.
Familial thoracic aortic aneurysm and aortic dissection (TAAD). Also called: Thoracic aortic aneurysms and dissections. Identifiers: Orphanet 91387, MedGen C4707243, MONDO:0019625.

Allele frequency attached by ClinVar (database versions not stated): gnomAD exomes below 0.00001 and 0.00001; TOPMed 0.00003; gnomAD 0.00006.
gnomAD v4.1: 8 of 1,208,837 alleles (0.00066%); highest among the groups gnomAD compares: African/African-American, 0.007%; no homozygotes.

Submissions (3):

Labcorp Genetics (formerly Invitae), Labcorp
Classification: Likely benign for Oto-palato-digital syndrome, type II; Heterotopia, periventricular, X-linked dominant; Frontometaphyseal dysplasia; Melnick-Needles syndrome. Last evaluated: 2025-11-09. Review status: criteria provided, single submitter. Criteria: Invitae Variant Classification Sherloc (09022015). Collection method: clinical testing. Allele origin: germline.

Ambry Genetics
Classification: Uncertain significance for Familial thoracic aortic aneurysm and aortic dissection. Last evaluated: 2025-09-16. Review status: criteria provided, single submitter. Criteria: Ambry Variant Classification Scheme 2023. Collection method: clinical testing. Allele origin: germline.
Comment: The p.G629S variant (also known as c.1885G>A), located in coding exon 12 of the FLNA gene, results from a G to A substitution at nucleotide position 1885. The glycine at codon 629 is replaced by serine, an amino acid with similar properties. This amino acid position is highly conserved in available vertebrate species. In addition, this alteration is predicted to be deleterious by in silico analysis. Based on data from gnomAD, the A allele has an overall frequency of 0.0006% (1/181492) total alleles studied, with 0 hemizygote(s) observed. The highest observed frequency was 0.0081% (1/12408) of African/African American alleles. Based on the available evidence, the clinical significance of this variant remains unclear.

GeneDx
Classification: Uncertain significance. Last evaluated: 2023-02-21. Review status: criteria provided, single submitter. Criteria: GeneDx Variant Classification Process June 2021. Collection method: clinical testing. Allele origin: germline. Affected: yes.
Comment: Has not been previously published as pathogenic or benign to our knowledge; In silico analysis supports that this missense variant has a deleterious effect on protein structure/function